The following is an entry in ClinVar:

ClinVar aggregate classification (germline): Pathogenic (1 of 4 stars; one submission).

Conditions:
Von Hippel-Lindau syndrome (VHLS). Also called: von Hippel–Lindau syndrome; VHL syndrome; Von Hippel-Lindau. Identifiers: Orphanet 892, MedGen C0019562, MONDO:0008667, OMIM 193300. Disease mechanism: loss of function.
Chuvash polycythemia. Also called: POLYCYTHEMIA, VHL-DEPENDENT. Identifiers: Orphanet 238557, MedGen C1837915, MONDO:0009892, OMIM 263400.

Submission:

Labcorp Genetics (formerly Invitae), Labcorp
Classification: Pathogenic for Von Hippel-Lindau syndrome; Chuvash polycythemia. Last evaluated: 2023-12-07. Review status: criteria provided, single submitter. Criteria: Invitae Variant Classification Sherloc (09022015). Collection method: clinical testing. Allele origin: germline.
Comment: This variant is a gross deletion of the genomic region encompassing exon(s) 1-2 of the VHL gene, which includes the initiator codon. This deletion extends beyond the assayed region for this gene and therefore may encompass additional genes. It is expected to result in an absent or disrupted protein product. Loss-of-function variants in VHL are known to be pathogenic (PMID: 8956040, 12202531). A similar copy number variant has been observed in individuals with clinical features of von Hippel-Lindau syndrome (PMID: 10830910, 27527340). It has also been observed to segregate with disease in related individuals. For these reasons, this variant has been classified as Pathogenic.

Literature cited by the submitters: PubMed 8956040; PubMed 12202531; PubMed 10830910; PubMed 27527340.

NC_000003.11:g.(?_10183532)_(10188330_?)del

Gene: VHL (von Hippel-Lindau tumor suppressor; plus strand). Cytogenetic location: 3p25.3.
Variant type: Deletion.
Identifiers: ClinVar variation 1073436 (VCV001073436.9).